The following is an entry in ClinVar:

NM_003049.4(SLC10A1):c.156G>C (p.Lys52Asn)

Gene: SLC10A1 (solute carrier family 10 member 1; minus strand). Cytogenetic location: 14q24.1.
Variant type: single nucleotide variant.
Coding change: c.156G>C on transcript NM_003049.4 (MANE Select); coding-DNA position 156, G replaced by C.
Protein change: p.Lys52Asn; replaces lysine 52 with asparagine.
Molecular consequence: missense variant.
Genome position (GRCh38, 1-based): chr14:69,797,000, C>G on the plus strand (G>C on the coding strand, the complement: SLC10A1 is on the minus strand). VCF-style: chr14-69797000-C-G. GRCh37 (hg19) VCF-style: chr14-70263717-C-G.
Other names: short protein forms K52N.
Identifiers: ClinVar variation 4990395 (VCV004990395.1).

ClinVar aggregate classification (germline): Uncertain significance (1 of 4 stars; one submission).

Conditions:
SLC10A1-related disorder. Also called: SLC10A1-related condition.

gnomAD v4.1: 21 of 1,614,252 alleles (0.0013%); highest among the groups gnomAD compares: South Asian, 0.023%; no homozygotes.

Submission:

PreventionGenetics, part of Exact Sciences
Classification: Uncertain significance for SLC10A1-related condition. Last evaluated: 2025-06-25. Review status: criteria provided, single submitter. Criteria: ACMG Guidelines, 2015. Collection method: clinical testing. Allele origin: germline.
Comment: The SLC10A1 c.156G>C variant is predicted to result in the amino acid substitution p.Lys52Asn. To our knowledge, this variant has not been reported in the literature. This variant is reported in 0.016% of alleles in individuals of South Asian descent in gnomAD. At this time, the clinical significance of this variant is uncertain due to the absence of conclusive functional and genetic evidence.